The following is an entry in ClinVar:

ClinVar aggregate classification (germline): Uncertain significance (1 of 4 stars; one submission).

Submission:

Labcorp Genetics (formerly Invitae), Labcorp
Classification: Uncertain significance. Last evaluated: 2022-11-26. Review status: criteria provided, single submitter. Criteria: Invitae Variant Classification Sherloc (09022015). Collection method: clinical testing. Allele origin: germline.
Comment: This sequence change replaces leucine, which is neutral and non-polar, with valine, which is neutral and non-polar, at codon 425 of the CACNA1F protein (p.Leu425Val). This variant is not present in population databases (gnomAD no frequency). This variant has not been reported in the literature in individuals affected with CACNA1F-related conditions. Algorithms developed to predict the effect of missense changes on protein structure and function (SIFT, PolyPhen-2, Align-GVGD) all suggest that this variant is likely to be tolerated. Algorithms developed to predict the effect of sequence changes on RNA splicing suggest that this variant may create or strengthen a splice site. In summary, the available evidence is currently insufficient to determine the role of this variant in disease. Therefore, it has been classified as a Variant of Uncertain Significance.

NM_001256789.3(CACNA1F):c.1273C>G (p.Leu425Val)

Gene: CACNA1F (calcium voltage-gated channel subunit alpha1 F; minus strand). Cytogenetic location: Xp11.23.
Variant type: single nucleotide variant.
Coding change: c.1273C>G on transcript NM_001256789.3 (MANE Select); coding-DNA position 1273, C replaced by G.
Protein change: p.Leu425Val; replaces leucine 425 with valine.
Molecular consequence: missense variant.
Genome position (GRCh38, 1-based): chrX:49,226,973, G>C on the plus strand (C>G on the coding strand, the complement: CACNA1F is on the minus strand). VCF-style: chrX-49226973-G-C. GRCh37 (hg19) VCF-style: chrX-49083435-G-C.
Other names: c.1078C>G, p.Leu360Val (NM_001256790.3); c.1273C>G, p.Leu425Val (NM_005183.4); short protein forms L360V, L425V.
Identifiers: ClinVar variation 2816844 (VCV002816844.3), dbSNP rs2519127803, ClinGen allele CA412918378.